The following is an entry in ClinVar:

ClinVar aggregate classification (germline): Uncertain significance (1 of 4 stars; one submission).

Conditions:
Bardet-Biedl syndrome (BBS). Identifiers: Orphanet 110, MedGen C0752166, MONDO:0015229.

Allele frequency attached by ClinVar (database versions not stated): gnomAD exomes below 0.00001.
gnomAD v4.1: 1 of 1,614,192 alleles (0.000062%); highest among the groups gnomAD compares: Non-Finnish European, 0.000085%; no homozygotes.

Submission:

Labcorp Genetics (formerly Invitae), Labcorp
Classification: Uncertain significance for Bardet-Biedl syndrome. Last evaluated: 2021-11-11. Review status: criteria provided, single submitter. Criteria: Invitae Variant Classification Sherloc (09022015). Collection method: clinical testing. Allele origin: germline.
Comment: In summary, the available evidence is currently insufficient to determine the role of this variant in disease. Therefore, it has been classified as a Variant of Uncertain Significance. Algorithms developed to predict the effect of missense changes on protein structure and function are either unavailable or do not agree on the potential impact of this missense change (SIFT: "Deleterious"; PolyPhen-2: "Probably Damaging"; Align-GVGD: "Class C0"). This variant has not been reported in the literature in individuals affected with BBS1-related conditions. This variant is not present in population databases (gnomAD no frequency). This sequence change replaces arginine, which is basic and polar, with serine, which is neutral and polar, at codon 404 of the BBS1 protein (p.Arg404Ser).

NM_024649.5(BBS1):c.1210C>A (p.Arg404Ser)

Genes: BBS1 (Bardet-Biedl syndrome 1; plus strand), ZDHHC24 (zDHHC palmitoyltransferase 24; minus strand). Cytogenetic location: 11q13.2.
Variant type: single nucleotide variant.
Coding change: c.1210C>A on transcript NM_024649.5 (MANE Select); coding-DNA position 1210, C replaced by A.
Protein change: p.Arg404Ser; replaces arginine 404 with serine.
Molecular consequence: missense variant. On other transcripts: intron variant (1).
Genome position (GRCh38, 1-based): chr11:66,526,678, C>A. VCF-style: chr11-66526678-C-A. GRCh37 (hg19) VCF-style: chr11-66294149-C-A.
Other names: c.*21+258G>T (NM_001348571.2); short protein forms R404S.
Identifiers: ClinVar variation 1491407 (VCV001491407.6), dbSNP rs2134812288, ClinGen allele CA381422508.